The following is an entry in ClinVar:

ClinVar aggregate classification (germline): Likely benign (1 of 4 stars; one submission).

gnomAD v4.1: 4 of 1,199,544 alleles (0.00033%); highest among the groups gnomAD compares: African/African-American, 0.0018%; no homozygotes.

Submission:

Women's Health and Genetics/Laboratory Corporation of America, LabCorp
Classification: Likely benign. Last evaluated: 2026-04-14. Review status: criteria provided, single submitter. Criteria: LabCorp Variant Classification Summary - May 2015. Collection method: clinical testing. Allele origin: germline.
Comment: Variant summary: ARHGAP4 c.2535-4G>T alters a nucleotide located at a position not widely known to affect splicing. Consensus agreement among computation tools predict no significant impact on normal splicing. However, these predictions have yet to be confirmed by functional studies. The variant was absent in 165238 control chromosomes. The available data on variant occurrences in the general population are insufficient to allow any conclusion about variant significance. To our knowledge, no occurrence of c.2535-4G>T in individuals affected with ARHGAP4-related conditions and no experimental evidence demonstrating its impact on protein function have been reported. No submitters have cited clinical-significance assessments for this variant to ClinVar. Based on the evidence outlined above, the variant was classified as likely benign.

NM_001666.5(ARHGAP4):c.2415-4G>T

Gene: ARHGAP4 (Rho GTPase activating protein 4; minus strand). Cytogenetic location: Xq28.
Variant type: single nucleotide variant.
Coding change: c.2415-4G>T on transcript NM_001666.5 (MANE Select); 4 bases into the intron before coding-DNA position 2415, G replaced by T.
Molecular consequence: intron variant.
Genome position (GRCh38, 1-based): chrX:153,909,539, C>A on the plus strand (G>T on the coding strand, the complement: ARHGAP4 is on the minus strand). VCF-style: chrX-153909539-C-A. GRCh37 (hg19) VCF-style: chrX-153174993-C-A.
Other names: c.2535-4G>T (NM_001164741.2).
Identifiers: ClinVar variation 4848588 (VCV004848588.1).